The following is an entry in ClinVar:

NM_001042492.3(NF1):c.6623C>T (p.Ala2208Val)

Gene: NF1 (neurofibromin 1; plus strand). Cytogenetic location: 17q11.2.
Variant type: single nucleotide variant.
Coding change: c.6623C>T on transcript NM_001042492.3 (MANE Select); coding-DNA position 6623, C replaced by T.
Protein change: p.Ala2208Val; replaces alanine 2208 with valine.
Molecular consequence: missense variant.
Genome position (GRCh38, 1-based): chr17:31,337,563, C>T. VCF-style: chr17-31337563-C-T. GRCh37 (hg19) VCF-style: chr17-29664581-C-T.
Other names: c.6560C>T, p.Ala2187Val (NM_000267.4); short protein forms A2187V, A2208V.
Identifiers: ClinVar variation 584934 (VCV000584934.3), dbSNP rs1555534886, ClinGen allele CA399013480.
Genomic context (GRCh38, chr17:31,337,563, plus strand): 5'-CTCCTGGCTCCTATGAGAGAGAGACTTTTGCTTTGACATCCTTGGAAACAGTCACAGAAG[C>T]TTTGTTGGAGATCATGGAGGTATAGAAGCCAAAATGATAAGAAACTAAGTTAAAATCTTT-3'
Protein context (NP_001035957.1, residues 2198-2218): ALTSLETVTE[Ala2208Val]LLEIMEACMR

ClinVar aggregate classification (germline): Uncertain significance. Review status: criteria provided, multiple submitters, no conflicts (2 of 4 stars). 2 submissions from 2 submitters: Uncertain significance (2). Last evaluated 2025-10-23.

Conditions:
Neurofibromatosis, type 1 (NF1). Also called: Peripheral type neurofibromatosis; VON RECKLINGHAUSEN DISEASE; NEUROFIBROMATOSIS, TYPE I, SOMATIC; Neurofibromatosis, type I. Identifiers: Orphanet 636, MedGen C0027831, MONDO:0018975, OMIM 162200. Disease mechanism: loss of function.

Submissions (2):

Labcorp Genetics (formerly Invitae), Labcorp
Classification: Uncertain significance for Neurofibromatosis, type 1. Last evaluated: 2025-10-23. Review status: criteria provided, single submitter. Criteria: Invitae Variant Classification Sherloc (09022015). Collection method: clinical testing. Allele origin: germline.
Comment: This sequence change replaces alanine, which is neutral and non-polar, with valine, which is neutral and non-polar, at codon 2187 of the NF1 protein (p.Ala2187Val). This variant is not present in population databases (gnomAD no frequency). This variant has not been reported in the literature in individuals affected with NF1-related conditions. ClinVar contains an entry for this variant (Variation ID: 584934). Invitae Evidence Modeling of protein sequence and biophysical properties (such as structural, functional, and spatial information, amino acid conservation, physicochemical variation, residue mobility, and thermodynamic stability) indicates that this missense variant is expected to disrupt NF1 protein function with a positive predictive value of 95%. This variant disrupts the p.Ala2187 amino acid residue in NF1. Other variant(s) that disrupt this residue have been determined to be pathogenic (internal data). This suggests that this residue is clinically significant, and that variants that disrupt this residue are likely to be disease-causing. In summary, the available evidence is currently insufficient to determine the role of this variant in disease. Therefore, it has been classified as a Variant of Uncertain Significance.

Mendelics
Classification: Uncertain significance for Neurofibromatosis, type 1. Last evaluated: 2018-07-02. Review status: criteria provided, single submitter. Criteria: Mendelics Assertion Criteria 2017. Collection method: clinical testing. Allele origin: unknown.